The following is an entry in ClinVar:

NM_000328.3(RPGR):c.2242-8T>C

Gene: RPGR (retinitis pigmentosa GTPase regulator; minus strand). Cytogenetic location: Xp11.4.
Variant type: single nucleotide variant.
Coding change: c.2242-8T>C on transcript NM_000328.3; 8 bases into the intron before coding-DNA position 2242, T replaced by C.
Molecular consequence: intron variant.
Genome position (GRCh38, 1-based): chrX:38,269,840, A>G on the plus strand (T>C on the coding strand, the complement: RPGR is on the minus strand). VCF-style: chrX-38269840-A-G. GRCh37 (hg19) VCF-style: chrX-38129093-A-G.
Other names: p.?; c.1906-8T>C (NM_001367249.1, NM_001367250.1); c.2239-8T>C (NM_001367245.1); c.1723-8T>C (NM_001367251.1); c.2056-8T>C (NM_001367246.1); c.1909-8T>C (NM_001367247.1); c.1939-8T>C (NM_001367248.1).
Identifiers: ClinVar variation 227049 (VCV000227049.57), dbSNP rs112368541, ClinGen allele CA10385054.
Genomic context (GRCh38, chrX:38,269,840, plus strand): 5'-TTATTCTTGACAATCTTTTGATTTATTGAGGGGACTCTTTTGAACAGAAAAATCTAGGAA[A>G]AAAACCACACACACAAATATTCATTTCCATAAGTGAAACATTCACTTAACAGTATTTAGG-3'

ClinVar aggregate classification (germline): Benign/Likely benign. Review status: criteria provided, multiple submitters, no conflicts (2 of 4 stars). 5 submissions from 5 submitters: Benign (4); Likely benign (1). Last evaluated 2026-02-04.

Conditions:
Primary ciliary dyskinesia. Also called: Ciliary dyskinesia. Identifiers: Orphanet 244, MedGen C0008780, MONDO:0016575, HP:0012265.

Allele frequency attached by ClinVar (database versions not stated): 1000 Genomes Project 30x 0.00666; TOPMed 0.01177; ESP Exome Variant Server 0.01191; gnomAD 0.01109 and 0.01020; gnomAD exomes 0.00108 and 0.00302; ExAC 0.00482; 1000 Genomes Project 0.00556.
gnomAD v4.1: 2,277 of 1,122,026 alleles (0.2%); highest among the groups gnomAD compares: African/African-American, 3.6%; 24 homozygotes.

Submissions (5):

Labcorp Genetics (formerly Invitae), Labcorp
Classification: Benign for Primary ciliary dyskinesia. Last evaluated: 2026-02-04. Review status: criteria provided, single submitter. Criteria: Invitae Variant Classification Sherloc (09022015). Collection method: clinical testing. Allele origin: germline.

Mayo Clinic Laboratories, Mayo Clinic
Classification: Benign. Last evaluated: 2023-06-21. Review status: criteria provided, single submitter. Criteria: ACMG Guidelines, 2015. Collection method: clinical testing. Allele origin: germline. Observed: 2 variant alleles.
Comment: BS1, BS2, BP4, BP7

GeneDx
Classification: Likely benign. Last evaluated: 2018-07-05. Review status: criteria provided, single submitter. Criteria: GeneDx Variant Classification Process June 2021. Collection method: clinical testing. Allele origin: germline. Affected: yes.

Laboratory for Molecular Medicine, Mass General Brigham Personalized Medicine
Classification: Benign. Last evaluated: 2014-11-24. Review status: criteria provided, single submitter. Criteria: LMM Criteria. Collection method: clinical testing. Allele origin: germline. Observed: 3 variant alleles.
Comment: 2242-8T>C in intron 18A of RPGR: This variant is not expected to have clinical s ignificance because it has been identified in 3.3% (125/3788) of African America n chromosomes from a broad population by the NHLBI Exome Sequencing Project (dbSNP rs112368541).

PreventionGenetics, part of Exact Sciences
Classification: Benign. Review status: criteria provided, single submitter. Criteria: ACMG Guidelines, 2015. Collection method: clinical testing. Allele origin: germline.